The following is an entry in ClinVar:

NM_016457.5(PRKD2):c.1816C>G (p.Arg606Gly)

Gene: PRKD2 (protein kinase D2; minus strand). Cytogenetic location: 19q13.32.
Variant type: single nucleotide variant.
Coding change: c.1816C>G on transcript NM_016457.5 (MANE Select); coding-DNA position 1816, C replaced by G.
Protein change: p.Arg606Gly; replaces arginine 606 with glycine.
Molecular consequence: missense variant.
Genome position (GRCh38, 1-based): chr19:46,689,692, G>C on the plus strand (C>G on the coding strand, the complement: PRKD2 is on the minus strand). VCF-style: chr19-46689692-G-C. GRCh37 (hg19) VCF-style: chr19-47192949-G-C.
Other names: c.1816C>G, p.Arg606Gly (NM_001079880.2, NM_001079881.2); c.1345C>G, p.Arg449Gly (NM_001079882.2); short protein forms R449G, R606G.
Identifiers: ClinVar variation 3348603 (VCV003348603.1).
Genomic context (GRCh38, chr19:46,689,692, plus strand): 5'-CCACAAACACTTTCTCAGGCGTCTCGAACATGCACTCCAGGTTCACGATCCCGGGATGCC[G>C]CAGGCTCTGCAGGGTGGGGAGCGGGGTCAGGGCCCAGGTAACCCACAAACTCAGACCCCA-3'
Protein context (NP_057541.2, residues 596-616): RNEVAILQSL[Arg606Gly]HPGIVNLECM

ClinVar aggregate classification (germline): Uncertain significance (0 of 4 stars; one submission).

Conditions:
PRKD2-related disorder. Also called: PRKD2-related condition.

Submission:

PreventionGenetics, part of Exact Sciences
Classification: Uncertain significance for PRKD2-related condition. Last evaluated: 2024-03-11. Review status: no assertion criteria provided. Collection method: clinical testing. Allele origin: germline.
Comment: The PRKD2 c.1816C>G variant is predicted to result in the amino acid substitution p.Arg606Gly. To our knowledge, this variant has not been reported in the literature or in a large population database, indicating this variant is rare. At this time, the clinical significance of this variant is uncertain due to the absence of conclusive functional and genetic evidence.